The following is an entry in ClinVar:

ClinVar aggregate classification (germline): Uncertain significance. Review status: criteria provided, multiple submitters, no conflicts (2 of 4 stars). 2 submissions from 2 submitters: Uncertain significance (2). Last evaluated 2024-09-21.

Conditions:
Immunodeficiency, common variable, 14. Identifiers: Orphanet 696904, MedGen C4540380, MONDO:0054691, OMIM 617765.

gnomAD v4.1: 5 of 1,338,926 alleles (0.00037%); highest among the groups gnomAD compares: South Asian, 0.0081%; no homozygotes.

Submissions (2):

Labcorp Genetics (formerly Invitae), Labcorp
Classification: Uncertain significance. Last evaluated: 2024-09-21. Review status: criteria provided, single submitter. Criteria: Invitae Variant Classification Sherloc (09022015). Collection method: clinical testing. Allele origin: germline.
Comment: This sequence change replaces glycine, which is neutral and non-polar, with alanine, which is neutral and non-polar, at codon 218 of the IRF2BP2 protein (p.Gly218Ala). This variant is not present in population databases (gnomAD no frequency). This variant has not been reported in the literature in individuals affected with IRF2BP2-related conditions. An algorithm developed to predict the effect of missense changes on protein structure and function (PolyPhen-2) suggests that this variant is likely to be tolerated. In summary, the available evidence is currently insufficient to determine the role of this variant in disease. Therefore, it has been classified as a Variant of Uncertain Significance.

Neuberg Centre For Genomic Medicine, NCGM
Classification: Uncertain significance for Immunodeficiency, common variable, 14. Last evaluated: 2023-06-22. Review status: criteria provided, single submitter. Criteria: ACMG Guidelines, 2015. Collection method: clinical testing. Allele origin: germline. Inheritance: Autosomal dominant inheritance. Affected: yes.
Comment: The observed missense c.653G>C(p.Gly218Ala) variant in IRF2BP2 gene has not been reported previously as a pathogenic variant nor as a benign variant, to our knowledge. The p.Gly218Ala variant is absent in gnomAD Exomes database. This variant has not been submitted to the ClinVar database. Computational evidence (Polyphen -probably damaging , SIFT -Tolerated and MutationTaster -polymorphism) predicts conflicting evidence on protein structure and function for this variant. The reference amino acid in IRF2BP2 is predicted as conserved by GERP++ and PhyloP across 100 vertebrates. The amino acid Gly at position 218 is changed to a Ala changing protein sequence and it might alter its composition and physico-chemical properties. For these reasons, this variant has been classified as Uncertain Significance (VUS).

NM_182972.3(IRF2BP2):c.653G>C (p.Gly218Ala)

Genes: IRF2BP2 (interferon regulatory factor 2 binding protein 2; minus strand), LOC129932811 (ATAC-STARR-seq lymphoblastoid silent region 1976; plus strand). Cytogenetic location: 1q42.3.
Variant type: single nucleotide variant.
Coding change: c.653G>C on transcript NM_182972.3 (MANE Select); coding-DNA position 653, G replaced by C.
Protein change: p.Gly218Ala; replaces glycine 218 with alanine.
Molecular consequence: missense variant.
Genome position (GRCh38, 1-based): chr1:234,608,842, C>G on the plus strand (G>C on the coding strand, the complement: IRF2BP2 is on the minus strand). VCF-style: chr1-234608842-C-G. GRCh37 (hg19) VCF-style: chr1-234744588-C-G.
Other names: c.653G>C, p.Gly218Ala (NM_001077397.1); short protein forms G218A.
Identifiers: ClinVar variation 3377690 (VCV003377690.3).